The following is an entry in ClinVar:

NM_024741.3(ZNF408):c.419G>A (p.Ser140Asn)

Gene: ZNF408 (zinc finger protein 408; plus strand). Cytogenetic location: 11p11.2.
Variant type: single nucleotide variant.
Coding change: c.419G>A on transcript NM_024741.3 (MANE Select); coding-DNA position 419, G replaced by A.
Protein change: p.Ser140Asn; replaces serine 140 with asparagine.
Molecular consequence: missense variant.
Genome position (GRCh38, 1-based): chr11:46,703,010, G>A. VCF-style: chr11-46703010-G-A. GRCh37 (hg19) VCF-style: chr11-46724560-G-A.
Other names: c.395G>A, p.Ser132Asn (NM_001184751.2); short protein forms S132N, S140N.
Identifiers: ClinVar variation 1958636 (VCV001958636.5), dbSNP rs1172331806, ClinGen allele CA380252211.
Genomic context (GRCh38, chr11:46,703,010, plus strand): 5'-GCATCTCCTAGCTGGCTGTTACTTTGCTTTGCAGCTTGGTACAACGGGGCAGGCTGGAGA[G>A]TGAGGGAAATGTGGCCCCAGTGCGGATCAGCGAGAGGCTTCATCTGCAAGTGTACCAGCT-3'
Protein context (NP_079017.1, residues 130-150): TSLVQRGRLE[Ser140Asn]EGNVAPVRIS

ClinVar aggregate classification (germline): Uncertain significance (1 of 4 stars; one submission).

Allele frequency attached by ClinVar (database versions not stated): gnomAD exomes below 0.00001.

Submission:

Labcorp Genetics (formerly Invitae), Labcorp
Classification: Uncertain significance. Last evaluated: 2022-10-01. Review status: criteria provided, single submitter. Criteria: Invitae Variant Classification Sherloc (09022015). Collection method: clinical testing. Allele origin: germline.
Comment: In summary, the available evidence is currently insufficient to determine the role of this variant in disease. Therefore, it has been classified as a Variant of Uncertain Significance. Algorithms developed to predict the effect of missense changes on protein structure and function output the following: SIFT: "Tolerated"; PolyPhen-2: "Benign"; Align-GVGD: "Class C0". The asparagine amino acid residue is found in multiple mammalian species, which suggests that this missense change does not adversely affect protein function. This variant has not been reported in the literature in individuals affected with ZNF408-related conditions. The frequency data for this variant in the population databases is considered unreliable, as metrics indicate poor data quality at this position in the gnomAD database. This sequence change replaces serine, which is neutral and polar, with asparagine, which is neutral and polar, at codon 140 of the ZNF408 protein (p.Ser140Asn).